The following is an entry in ClinVar:

ClinVar aggregate classification (germline): Uncertain significance (1 of 4 stars; one submission).

Allele frequency attached by ClinVar (database versions not stated): gnomAD 0.00001; TOPMed 0.00003; gnomAD exomes 0.00006; ESP Exome Variant Server 0.00008; ExAC 0.00013; 1000 Genomes Project 30x 0.00016; 1000 Genomes Project 0.00020.
gnomAD v4.1: 85 of 1,572,322 alleles (0.0054%); highest among the groups gnomAD compares: Middle Eastern, 0.019%; no homozygotes.

Submission:

GeneDx
Classification: Uncertain significance. Last evaluated: 2022-09-15. Review status: criteria provided, single submitter. Criteria: GeneDx Variant Classification Process June 2021. Collection method: clinical testing. Allele origin: germline. Affected: yes.
Comment: In silico analysis supports that this missense variant does not alter protein structure/function; Has not been previously published as pathogenic or benign to our knowledge

NM_144991.3(TSPEAR):c.1994G>A (p.Arg665Gln)

Gene: TSPEAR (thrombospondin type laminin G domain and EAR repeats; minus strand). Cytogenetic location: 21q22.3.
Variant type: single nucleotide variant.
Coding change: c.1994G>A on transcript NM_144991.3 (MANE Select); coding-DNA position 1994, G replaced by A.
Protein change: p.Arg665Gln; replaces arginine 665 with glutamine.
Molecular consequence: missense variant.
Genome position (GRCh38, 1-based): chr21:44,499,799, C>T on the plus strand (G>A on the coding strand, the complement: TSPEAR is on the minus strand). VCF-style: chr21-44499799-C-T. GRCh37 (hg19) VCF-style: chr21-45919682-C-T.
Other names: c.1790G>A, p.Arg597Gln (NM_001272037.2); short protein forms R597Q, R665Q.
Identifiers: ClinVar variation 2444540 (VCV002444540.1), dbSNP rs200086668, ClinGen allele CA10056232.